The following is an entry in ClinVar:

ClinVar aggregate classification (germline): Likely pathogenic (1 of 4 stars; one submission).

Conditions:
Dilated cardiomyopathy 1G (CMD1G). Identifiers: Orphanet 154, MedGen C1858763, MONDO:0011400, OMIM 604145.
Autosomal recessive limb-girdle muscular dystrophy type 2J (LGMDR10). Also called: Limb-girdle muscular dystrophy, type 2J; MUSCULAR DYSTROPHY, LIMB-GIRDLE, AUTOSOMAL RECESSIVE 10. Identifiers: Orphanet 140922, MedGen C1837342, MONDO:0012127, OMIM 608807.

Submission:

Labcorp Genetics (formerly Invitae), Labcorp
Classification: Likely pathogenic for Dilated cardiomyopathy 1G; Autosomal recessive limb-girdle muscular dystrophy type 2J. Last evaluated: 2024-11-04. Review status: criteria provided, single submitter. Criteria: Invitae Variant Classification Sherloc (09022015). Collection method: clinical testing. Allele origin: germline.
Comment: This sequence change affects an acceptor splice site in intron 234 of the TTN gene. It is expected to disrupt RNA splicing and likely results in a truncated or disrupted TTN protein. This variant is not present in population databases (gnomAD no frequency). This variant has not been reported in the literature in individuals affected with TTN-related conditions. ClinVar contains an entry for this variant (Variation ID: 2945815). Algorithms developed to predict the effect of sequence changes on RNA splicing suggest that this variant may disrupt the consensus splice site. This variant is located in the I band of TTN (PMID: 25589632). Truncating variants in this region have been reported in individuals affected with autosomal recessive centronuclear myopathy (PMID: 23975875, internal data). Truncating variants in this region have also been identified in individuals affected with autosomal dominant dilated cardiomyopathy and/or cardio-related conditions (PMID: 27869827, 32964742, internal data). In summary, the currently available evidence indicates that the variant is pathogenic, but additional data are needed to prove that conclusively. Therefore, this variant has been classified as Likely Pathogenic.

Literature cited by the submitters: PubMed 25589632; PubMed 23975875; PubMed 27869827; PubMed 32964742.

NM_001267550.2(TTN):c.43214-1G>C

Gene: TTN (titin; minus strand). Cytogenetic location: 2q31.2.
Variant type: single nucleotide variant.
Coding change: c.43214-1G>C on transcript NM_001267550.2 (MANE Select); the canonical splice acceptor site of the intron before coding-DNA position 43214, G replaced by C.
Molecular consequence: splice acceptor variant.
Genome position (GRCh38, 1-based): chr2:178,632,793, C>G on the plus strand (G>C on the coding strand, the complement: TTN is on the minus strand). VCF-style: chr2-178632793-C-G. GRCh37 (hg19) VCF-style: chr2-179497520-C-G.
Other names: c.16019-1G>C (NM_003319.4); c.16595-1G>C (NM_133437.4); c.16394-1G>C (NM_133432.3); c.35510-1G>C (NM_133378.4); c.38291-1G>C (NM_001256850.1).
Identifiers: ClinVar variation 2945815 (VCV002945815.3), dbSNP rs2471477797, ClinGen allele CA349651782.